The following is an entry in ClinVar:

ClinVar aggregate classification (germline): Conflicting classifications of pathogenicity. Review status: criteria provided, conflicting classifications (1 of 4 stars). 3 submissions from 3 submitters: Uncertain significance (2); Likely benign (1). Last evaluated 2026-02-27.

Conditions:
Ehlers-Danlos syndrome, classic type, 1 (EDSCL1). Also called: EHLERS-DANLOS SYNDROME, GRAVIS TYPE; EHLERS-DANLOS SYNDROME, SEVERE CLASSIC TYPE; Ehlers-Danlos syndrome, type 1; EDS I; Ehlers-Danlos Syndrome, Classic Type, COL5A1-Related. Identifiers: MedGen C0268335, MONDO:0019567, OMIM 130000.

Allele frequency attached by ClinVar (database versions not stated): gnomAD 0.00001; gnomAD exomes 0.00001; TOPMed 0.00001.
gnomAD v4.1: 7 of 1,610,952 alleles (0.00043%); highest among the groups gnomAD compares: Non-Finnish European, 0.00059%; no homozygotes.

Submissions (3):

Women's Health and Genetics/Laboratory Corporation of America, LabCorp
Classification: Uncertain significance. Last evaluated: 2026-02-27. Review status: criteria provided, single submitter. Criteria: LabCorp Variant Classification Summary - May 2015. Collection method: clinical testing. Allele origin: germline.
Comment: Variant summary: COL5A1 c.4210C>A (p.Gln1404Lys) results in a conservative amino acid change in the encoded protein sequence. Algorithms developed to predict the effect of missense changes on protein structure and function are either unavailable or do not agree on the potential impact of this missense change. The variant allele was found at a frequency of 8.3e-06 in 241486 control chromosomes. The available data on variant occurrences in the general population are insufficient to allow any conclusion about variant significance. To our knowledge, no occurrence of c.4210C>A in individuals affected with COL5A1-related conditions and no experimental evidence demonstrating its impact on protein function have been reported. ClinVar contains an entry for this variant (Variation ID: 1318716). Based on the evidence outlined above, the variant was classified as uncertain significance.

Labcorp Genetics (formerly Invitae), Labcorp
Classification: Likely benign for Ehlers-Danlos syndrome, classic type, 1. Last evaluated: 2024-04-09. Review status: criteria provided, single submitter. Criteria: Invitae Variant Classification Sherloc (09022015). Collection method: clinical testing. Allele origin: germline.

GeneDx
Classification: Uncertain significance. Last evaluated: 2020-11-25. Review status: criteria provided, single submitter. Criteria: GeneDx Variant Classification Process June 2021. Collection method: clinical testing. Allele origin: germline. Affected: yes.
Comment: Not observed at a significant frequency in large population cohorts (Lek et al., 2016); In silico analysis supports that this missense variant has a deleterious effect on protein structure/function; Occurs in the triple helical domain at the Y position in the canonical Gly-X-Y repeat; although this variant may have an effect on normal protein folding and function, missense substitution at the Y position is not a common mechanism of disease (Symoens et al., 2012; Stenson et al., 2014); Has not been previously published as pathogenic or benign to our knowledge

NM_000093.5(COL5A1):c.4210C>A (p.Gln1404Lys)

Gene: COL5A1 (collagen type V alpha 1 chain; plus strand). Cytogenetic location: 9q34.3.
Variant type: single nucleotide variant.
Coding change: c.4210C>A on transcript NM_000093.5 (MANE Select); coding-DNA position 4210, C replaced by A.
Protein change: p.Gln1404Lys; replaces glutamine 1404 with lysine.
Molecular consequence: missense variant.
Genome position (GRCh38, 1-based): chr9:134,817,811, C>A. VCF-style: chr9-134817811-C-A. GRCh37 (hg19) VCF-style: chr9-137709657-C-A.
Other names: c.4210C>A, p.Gln1404Lys (NM_001278074.1); short protein forms Q1404K.
Identifiers: ClinVar variation 1318716 (VCV001318716.5), dbSNP rs1441922749, ClinGen allele CA375456850.